The following is an entry in ClinVar:

ClinVar aggregate classification (germline): Uncertain significance (1 of 4 stars; one submission).

Submission:

Labcorp Genetics (formerly Invitae), Labcorp
Classification: Uncertain significance. Last evaluated: 2025-09-03. Review status: criteria provided, single submitter. Criteria: Invitae Variant Classification Sherloc (09022015). Collection method: clinical testing. Allele origin: germline.
Comment: This variant, c.6502_6507dup, results in the insertion of 2 amino acid(s) of the POLE protein (p.Asp2168_Leu2169dup), but otherwise preserves the integrity of the reading frame. This variant is not present in population databases (gnomAD no frequency). This variant has not been reported in the literature in individuals affected with POLE-related conditions. In summary, the available evidence is currently insufficient to determine the role of this variant in disease. Therefore, it has been classified as a Variant of Uncertain Significance.

NM_006231.4(POLE):c.6496GACCTG[3] (p.Leu2169_Cys2170insAspLeu)

Gene: POLE (DNA polymerase epsilon, catalytic subunit; minus strand). Cytogenetic location: 12q24.33.
Variant type: Microsatellite.
Coding change: c.6496GACCTG[3] on transcript NM_006231.4 (MANE Select); three copies in a row of the 6-base unit GACCTG starting at c.6496; the reference has two copies in a row; one copy, 6 bases duplicated.
Protein change: p.Leu2169_Cys2170insAspLeu.
Molecular consequence: inframe insertion.
Genome position (GRCh38, 1-based): chr12:132,626,141-132,626,146, CAGGTC duplicated on the plus strand (GACCTG on the coding strand, the reverse complement: POLE is on the minus strand); duplicating any 6 consecutive bases within chr12:132,626,141-132,626,152 gives the same sequence; the position shown is the placement nearest the transcript's 3' end. VCF-style (leftmost placement, unchanged base first): chr12-132626140-A-ACAGGTC. GRCh37 (hg19) VCF-style: chr12-133202726-A-ACAGGTC.
Identifiers: ClinVar variation 4726521 (VCV004726521.1).